The following is an entry in ClinVar:

ClinVar aggregate classification (germline): Uncertain significance. Review status: criteria provided, multiple submitters, no conflicts (2 of 4 stars). 2 submissions from 2 submitters: Uncertain significance (2). Last evaluated 2025-08-03.

Conditions:
Inborn genetic diseases. Identifiers: MedGen C0950123, MeSH D030342.

Allele frequency attached by ClinVar (database versions not stated): gnomAD exomes below 0.00001; ExAC 0.00003; gnomAD 0.00003; TOPMed 0.00004; ESP Exome Variant Server 0.00023.

Submissions (2):

Ambry Genetics
Classification: Uncertain significance for Inborn genetic diseases. Last evaluated: 2025-08-03. Review status: criteria provided, single submitter. Criteria: Ambry Variant Classification Scheme 2023. Collection method: clinical testing. Allele origin: germline.

Labcorp Genetics (formerly Invitae), Labcorp
Classification: Uncertain significance. Last evaluated: 2022-01-27. Review status: criteria provided, single submitter. Criteria: Invitae Variant Classification Sherloc (09022015). Collection method: clinical testing. Allele origin: germline.
Comment: This sequence change replaces leucine, which is neutral and non-polar, with proline, which is neutral and non-polar, at codon 122 of the PDYN protein (p.Leu122Pro). This variant is present in population databases (rs140611042, gnomAD 0.02%). This variant has not been reported in the literature in individuals affected with PDYN-related conditions. Algorithms developed to predict the effect of missense changes on protein structure and function are either unavailable or do not agree on the potential impact of this missense change (SIFT: "Deleterious"; PolyPhen-2: "Probably Damaging"; Align-GVGD: "Class C0"). In summary, the available evidence is currently insufficient to determine the role of this variant in disease. Therefore, it has been classified as a Variant of Uncertain Significance.

NM_024411.5(PDYN):c.365T>C (p.Leu122Pro)

Genes: PDYN (prodynorphin; minus strand), PDYN-AS1 (PDYN antisense RNA 1; plus strand). Cytogenetic location: 20p13.
Variant type: single nucleotide variant.
Coding change: c.365T>C on transcript NM_024411.5 (MANE Select); coding-DNA position 365, T replaced by C.
Protein change: p.Leu122Pro; replaces leucine 122 with proline.
Molecular consequence: missense variant.
Genome position (GRCh38, 1-based): chr20:1,980,723, A>G on the plus strand (T>C on the coding strand, the complement: PDYN is on the minus strand). VCF-style: chr20-1980723-A-G. GRCh37 (hg19) VCF-style: chr20-1961369-A-G.
Other names: c.365T>C, p.Leu122Pro (NM_001190892.1, NM_001190898.3, NM_001190899.2 and 1 more transcripts); c.365T>C (NM_024411.4); short protein forms L122P.
Identifiers: ClinVar variation 2416436 (VCV002416436.7), dbSNP rs140611042, ClinGen allele CA9730311.